The following is an entry in ClinVar:

NM_000245.4(MET):c.2202C>T (p.Ser734=)

Gene: MET (MET proto-oncogene, receptor tyrosine kinase; plus strand). Cytogenetic location: 7q31.2.
Variant type: single nucleotide variant.
Coding change: c.2202C>T on transcript NM_000245.4 (MANE Select); coding-DNA position 2202, C replaced by T.
Protein change: p.Ser734=; no amino-acid change (serine 734 retained).
Molecular consequence: synonymous variant.
Genome position (GRCh38, 1-based): chr7:116,758,558, C>T. VCF-style: chr7-116758558-C-T. GRCh37 (hg19) VCF-style: chr7-116398612-C-T.
Other names: c.2202C>T, p.Ser734= (NM_001127500.3, NM_001324401.3); c.912C>T, p.Ser304= (NM_001324402.2).
Identifiers: ClinVar variation 2587487 (VCV002587487.6), dbSNP rs2116931828, ClinGen allele CA457216832.

ClinVar aggregate classification (germline): Benign/Likely benign. Review status: criteria provided, multiple submitters, no conflicts (2 of 4 stars). 3 submissions from 3 submitters: Benign (1); Likely benign (2). Last evaluated 2024-11-08.

Conditions:
Renal cell carcinoma. Identifiers: Orphanet 217071, MedGen C0007134, MeSH D002292, MONDO:0005086, HP:0005584.
Hereditary cancer-predisposing syndrome. Also called: Tumor predisposition; Hereditary Cancer Syndrome; Hereditary neoplastic syndrome; Neoplastic Syndromes, Hereditary. Identifiers: Orphanet 140162, MedGen C0027672, MeSH D009386, MONDO:0015356.
Papillary renal cell carcinoma type 1 (RCCP1). Also called: Renal adenocarcinoma; Renal cell carcinoma 1; Renal cell carcinoma, somatic; RENAL CELL CARCINOMA, PAPILLARY, 1, SOMATIC. Identifiers: Orphanet 47044, MedGen C1336839, OMIM 605074, HP:0011797.

Submissions (3):

Myriad Genetics, Inc.
Classification: Benign for Papillary renal cell carcinoma type 1. Last evaluated: 2024-11-08. Review status: criteria provided, single submitter. Criteria: Myriad Autosomal Dominant, Autosomal Recessive and X-Linked Classification Criteria (2023). Collection method: clinical testing. Allele origin: unknown.
Comment: This variant is considered benign. This variant is a silent/synonymous amino acid change and it is not expected to impact splicing.

Ambry Genetics
Classification: Likely benign for Hereditary cancer-predisposing syndrome. Last evaluated: 2023-08-02. Review status: criteria provided, single submitter. Criteria: Ambry Variant Classification Scheme 2023. Collection method: clinical testing. Allele origin: germline.

Labcorp Genetics (formerly Invitae), Labcorp
Classification: Likely benign for Renal cell carcinoma. Last evaluated: 2023-04-10. Review status: criteria provided, single submitter. Criteria: Invitae Variant Classification Sherloc (09022015). Collection method: clinical testing. Allele origin: germline.